The following is an entry in ClinVar:

NM_000465.4(BARD1):c.464G>C (p.Arg155Thr)

Gene: BARD1 (BRCA1 associated RING domain 1; minus strand). Cytogenetic location: 2q35.
Variant type: single nucleotide variant.
Coding change: c.464G>C on transcript NM_000465.4 (MANE Select); coding-DNA position 464, G replaced by C.
Protein change: p.Arg155Thr; replaces arginine 155 with threonine.
Molecular consequence: missense variant. On other transcripts: non-coding transcript variant (2), intron variant (3).
Genome position (GRCh38, 1-based): chr2:214,781,410, C>G on the plus strand (G>C on the coding strand, the complement: BARD1 is on the minus strand). VCF-style: chr2-214781410-C-G. GRCh37 (hg19) VCF-style: chr2-215646134-C-G.
Other names: c.407G>C, p.Arg136Thr (NM_001282543.2); c.158+28002G>C (NM_001282548.2); c.215+15651G>C (NM_001282545.2); c.364+10887G>C (NM_001282549.2); short protein forms R155T, R136T.
Identifiers: ClinVar variation 3662096 (VCV003662096.2).

ClinVar aggregate classification (germline): Uncertain significance (1 of 4 stars; one submission).

Conditions:
Familial cancer of breast. Also called: Hereditary breast cancer; hereditary breast carcinoma; BREAST CANCER, FAMILIAL. Identifiers: Orphanet 227535, MedGen C0346153, MONDO:0016419, OMIM 114480. Disease mechanism: loss of function.

Submission:

Labcorp Genetics (formerly Invitae), Labcorp
Classification: Uncertain significance for Familial cancer of breast. Last evaluated: 2024-09-12. Review status: criteria provided, single submitter. Criteria: Invitae Variant Classification Sherloc (09022015). Collection method: clinical testing. Allele origin: germline.
Comment: This sequence change replaces arginine, which is basic and polar, with threonine, which is neutral and polar, at codon 155 of the BARD1 protein (p.Arg155Thr). This variant is not present in population databases (gnomAD no frequency). This variant has not been reported in the literature in individuals affected with BARD1-related conditions. An algorithm developed to predict the effect of missense changes on protein structure and function (PolyPhen-2) suggests that this variant is likely to be disruptive. In summary, the available evidence is currently insufficient to determine the role of this variant in disease. Therefore, it has been classified as a Variant of Uncertain Significance.